The following is an entry in ClinVar:

ClinVar aggregate classification (germline): Conflicting classifications of pathogenicity. Review status: criteria provided, conflicting classifications (1 of 4 stars). 3 submissions from 3 submitters: Uncertain significance (1); Likely benign (2). Last evaluated 2026-07-01.

Conditions:
Macular degeneration. Also called: Degenerative disorder of macula. Identifiers: MedGen C0024437, MONDO:0003004, HP:0000608.

Allele frequency attached by ClinVar (database versions not stated): gnomAD exomes 0.00001; TOPMed 0.00133.
gnomAD v4.1: 8 of 1,304,380 alleles (0.00061%); highest among the groups gnomAD compares: South Asian, 0.011%; no homozygotes.

Submissions (3):

CeGaT Center for Human Genetics Tuebingen
Classification: Likely benign. Last evaluated: 2026-07-01. Review status: criteria provided, single submitter. Criteria: CeGaT Center For Human Genetics Tuebingen Variant Classification Criteria Version 2. Collection method: clinical testing. Allele origin: germline. Affected: yes. Observed: 4 variant alleles.
Comment: HTRA1: BP4, BP7

Labcorp Genetics (formerly Invitae), Labcorp
Classification: Likely benign. Last evaluated: 2026-01-12. Review status: criteria provided, single submitter. Criteria: Invitae Variant Classification Sherloc (09022015). Collection method: clinical testing. Allele origin: germline.

Illumina Laboratory Services, Illumina
Classification: Uncertain significance for Macular degeneration. Last evaluated: 2017-04-27. Review status: criteria provided, single submitter. Criteria: ICSL Variant Classification Criteria 13 December 2019. Collection method: clinical testing. Allele origin: germline.

NM_002775.5(HTRA1):c.34C>T (p.Leu12=)

Gene: HTRA1 (HtrA serine peptidase 1; plus strand). Cytogenetic location: 10q26.13.
Variant type: single nucleotide variant.
Coding change: c.34C>T on transcript NM_002775.5 (MANE Select); coding-DNA position 34, C replaced by T.
Protein change: p.Leu12=; no amino-acid change (leucine 12 retained).
Molecular consequence: synonymous variant.
Genome position (GRCh38, 1-based): chr10:122,461,686, C>T. VCF-style: chr10-122461686-C-T. GRCh37 (hg19) VCF-style: chr10-124221202-C-T.
Identifiers: ClinVar variation 871446 (VCV000871446.49), dbSNP rs996483189, ClinGen allele CA214415132.